The following is an entry in ClinVar:

ClinVar aggregate classification (germline): Uncertain significance (1 of 4 stars; one submission).

Submission:

Labcorp Genetics (formerly Invitae), Labcorp
Classification: Uncertain significance. Last evaluated: 2025-12-17. Review status: criteria provided, single submitter. Criteria: Invitae Variant Classification Sherloc (09022015). Collection method: clinical testing. Allele origin: germline.
Comment: This sequence change replaces valine, which is neutral and non-polar, with isoleucine, which is neutral and non-polar, at codon 961 of the DSG1 protein (p.Val961Ile). Information on the frequency of this variant in the gnomAD database is not available, as this variant may be reported differently in the database. This variant has not been reported in the literature in individuals affected with DSG1-related conditions. ClinVar contains an entry for this variant (Variation ID: 2967638). Experimental studies and prediction algorithms are not available or were not evaluated, and the functional significance of this variant is currently unknown. In summary, the available evidence is currently insufficient to determine the role of this variant in disease. Therefore, it has been classified as a Variant of Uncertain Significance.

NM_001942.4(DSG1):c.2880_2881delinsAA (p.Val961Ile)

Genes: DSG1 (desmoglein 1; plus strand), DSG1-AS1 (DSG1 antisense RNA 1; minus strand). Cytogenetic location: 18q12.1.
Variant type: Indel.
Coding change: c.2880_2881delinsAA on transcript NM_001942.4 (MANE Select); coding-DNA positions 2880 to 2881, CG replaced by AA.
Protein change: p.Val961Ile; replaces valine 961 with isoleucine.
Molecular consequence: missense variant.
Genome position (GRCh38, 1-based): chr18:31,355,076-31,355,077, CG replaced by AA. VCF-style: chr18-31355076-CG-AA. GRCh37 (hg19) VCF-style: chr18-28935039-CG-AA.
Other names: short protein forms V961I.
Identifiers: ClinVar variation 2967638 (VCV002967638.3), dbSNP rs2510846333, ClinGen allele CA2740094002.